The following is an entry in ClinVar:

NM_001204.7(BMPR2):c.1633G>A (p.Asp545Asn)

Gene: BMPR2 (bone morphogenetic protein receptor type 2; plus strand). Cytogenetic location: 2q33.2.
Variant type: single nucleotide variant.
Coding change: c.1633G>A on transcript NM_001204.7 (MANE Select); coding-DNA position 1633, G replaced by A.
Protein change: p.Asp545Asn; replaces aspartic acid 545 with asparagine.
Molecular consequence: missense variant.
Genome position (GRCh38, 1-based): chr2:202,555,298, G>A. VCF-style: chr2-202555298-G-A. GRCh37 (hg19) VCF-style: chr2-203420021-G-A.
Other names: short protein forms D545N.
Identifiers: ClinVar variation 4597731 (VCV004597731.1).

ClinVar aggregate classification (germline): Uncertain significance (1 of 4 stars; one submission).

Conditions:
Inborn genetic diseases. Identifiers: MedGen C0950123, MeSH D030342.

Submission:

Ambry Genetics
Classification: Uncertain significance for Inborn genetic diseases. Last evaluated: 2025-11-15. Review status: criteria provided, single submitter. Criteria: Ambry Variant Classification Scheme 2023. Collection method: clinical testing. Allele origin: germline.
Comment: The p.D545N variant (also known as c.1633G>A), located in coding exon 12 of the BMPR2 gene, results from a G to A substitution at nucleotide position 1633. The aspartic acid at codon 545 is replaced by asparagine, an amino acid with highly similar properties. This amino acid position is conserved. In addition, this alteration is predicted to be tolerated by in silico analysis. Based on the available evidence, the clinical significance of this variant remains unclear.